The following is an entry in ClinVar:

ClinVar aggregate classification (germline): Uncertain significance (1 of 4 stars; one submission).

gnomAD v4.1: 10 of 1,596,732 alleles (0.00063%); highest among the groups gnomAD compares: Non-Finnish European, 0.00085%; no homozygotes.

Submission:

Labcorp Genetics (formerly Invitae), Labcorp
Classification: Uncertain significance. Last evaluated: 2025-09-30. Review status: criteria provided, single submitter. Criteria: Invitae Variant Classification Sherloc (09022015). Collection method: clinical testing. Allele origin: germline.
Comment: This sequence change replaces isoleucine, which is neutral and non-polar, with valine, which is neutral and non-polar, at codon 88 of the MATN3 protein (p.Ile88Val). This variant is present in population databases (rs768785469, gnomAD 0.003%). This variant has not been reported in the literature in individuals affected with MATN3-related conditions. ClinVar contains an entry for this variant (Variation ID: 3611791). Invitae Evidence Modeling of protein sequence and biophysical properties (such as structural, functional, and spatial information, amino acid conservation, physicochemical variation, residue mobility, and thermodynamic stability) indicates that this missense variant is not expected to disrupt MATN3 protein function with a negative predictive value of 80%. In summary, the available evidence is currently insufficient to determine the role of this variant in disease. Therefore, it has been classified as a Variant of Uncertain Significance.

NM_002381.5(MATN3):c.262A>G (p.Ile88Val)

Gene: MATN3 (matrilin 3; minus strand). Cytogenetic location: 2p24.1.
Variant type: single nucleotide variant.
Coding change: c.262A>G on transcript NM_002381.5 (MANE Select); coding-DNA position 262, A replaced by G.
Protein change: p.Ile88Val; replaces isoleucine 88 with valine.
Molecular consequence: missense variant.
Genome position (GRCh38, 1-based): chr2:20,006,272, T>C on the plus strand (A>G on the coding strand, the complement: MATN3 is on the minus strand). VCF-style: chr2-20006272-T-C. GRCh37 (hg19) VCF-style: chr2-20206033-T-C.
Other names: short protein forms I88V.
Identifiers: ClinVar variation 3611791 (VCV003611791.2).